The following is an entry in ClinVar:

NM_001127511.3(APC):c.-157_-144del

Gene: APC (APC regulator of Wnt signaling pathway; plus strand). Cytogenetic location: 5q22.2.
Variant type: Deletion.
Coding change: c.-157_-144del on transcript NM_001127511.3; 157 bases upstream of the start codon through 144 bases upstream of the start codon, 14 bases deleted (GCCGCCGGAAGCCT).
Molecular consequence: 5 prime UTR variant. On other transcripts: non-coding transcript variant (2).
Genome position (GRCh38, 1-based): chr5:112,707,561-112,707,574, GCCGCCGGAAGCCT deleted. VCF-style (leftmost placement, unchanged base first): chr5-112707560-GGCCGCCGGAAGCCT-G. GRCh37 (hg19) VCF-style: chr5-112043257-GGCCGCCGGAAGCCT-G.
Other names: c.-340_-327del (NM_001354895.2, NM_001407447.1, NM_001407452.1 and 3 more transcripts); c.-157_-144del (NM_001354897.2, NM_001354902.2, NM_001407446.1); c.-107_-94del (NM_001407448.1, NM_001407450.1, NM_001407457.1 and 1 more transcripts); c.-131_-118del (NM_001407453.1); c.-1375_-1362del (NM_001407470.1, NM_001407472.1).
Identifiers: ClinVar variation 3728787 (VCV003728787.2).

ClinVar aggregate classification (germline): Uncertain significance (1 of 4 stars; one submission).

Conditions:
Familial adenomatous polyposis 1 (FAP1). Also called: FAMILIAL ADENOMATOUS POLYPOSIS 1, ATTENUATED; POLYPOSIS, ADENOMATOUS INTESTINAL. Identifiers: MedGen C2713442, MONDO:0021056, OMIM 175100. Disease mechanism: loss of function.

Submission:

Labcorp Genetics (formerly Invitae), Labcorp
Classification: Uncertain significance for Familial adenomatous polyposis 1. Last evaluated: 2025-01-11. Review status: criteria provided, single submitter. Criteria: Invitae Variant Classification Sherloc (09022015). Collection method: clinical testing. Allele origin: germline.
Comment: This variant occurs in a non-coding region of the APC gene. It does not change the encoded amino acid sequence of the APC protein. This variant is not present in population databases (gnomAD no frequency). This variant has not been reported in the literature in individuals affected with APC-related conditions. Experimental studies and prediction algorithms are not available or were not evaluated, and the functional significance of this variant is currently unknown. In summary, the available evidence is currently insufficient to determine the role of this variant in disease. Therefore, it has been classified as a Variant of Uncertain Significance.